The following is an entry in ClinVar:

NM_001385012.1(NBEA):c.4054G>A (p.Glu1352Lys)

Gene: NBEA (neurobeachin; plus strand). Cytogenetic location: 13q13.3.
Variant type: single nucleotide variant.
Coding change: c.4054G>A on transcript NM_001385012.1 (MANE Select); coding-DNA position 4054, G replaced by A.
Protein change: p.Glu1352Lys; replaces glutamic acid 1352 with lysine.
Molecular consequence: missense variant.
Genome position (GRCh38, 1-based): chr13:35,161,942, G>A. VCF-style: chr13-35161942-G-A. GRCh37 (hg19) VCF-style: chr13-35736079-G-A.
Other names: c.4054G>A, p.Glu1352Lys (NM_001379245.1, NM_015678.5); short protein forms E1352K.
Identifiers: ClinVar variation 5005244 (VCV005005244.2).

ClinVar aggregate classification (germline): Uncertain significance (1 of 4 stars; one submission).

Conditions:
Neurodevelopmental disorder with or without early-onset generalized epilepsy. Identifiers: MedGen C5436914, MONDO:0030930, OMIM 619157.

Submission:

Juno Genomics, Hangzhou Juno Genomics, Inc
Classification: Uncertain significance for Neurodevelopmental disorder with or without early-onset generalized epilepsy. Review status: criteria provided, single submitter. Criteria: ACMG Guidelines, 2015. Collection method: clinical testing. Allele origin: germline.
Comment: Absent from controls (or at extremely low frequency if recessive) in Genome Aggregation Database.;Missense variant in a gene that has a low rate of benign missense variation.;Multiple lines of computational evidence support a deleterious effect on the gene or gene product.